The following is an entry in ClinVar:

NM_015662.3(IFT172):c.4417G>A (p.Ala1473Thr)

Gene: IFT172 (intraflagellar transport 172; minus strand). Cytogenetic location: 2p23.3.
Variant type: single nucleotide variant.
Coding change: c.4417G>A on transcript NM_015662.3 (MANE Select); coding-DNA position 4417, G replaced by A.
Protein change: p.Ala1473Thr; replaces alanine 1473 with threonine.
Molecular consequence: missense variant.
Genome position (GRCh38, 1-based): chr2:27,448,926, C>T on the plus strand (G>A on the coding strand, the complement: IFT172 is on the minus strand). VCF-style: chr2-27448926-C-T. GRCh37 (hg19) VCF-style: chr2-27671793-C-T.
Other names: c.4417G>A (NM_015662.2); short protein forms A1473T.
Identifiers: ClinVar variation 1356976 (VCV001356976.10), dbSNP rs749834823, ClinGen allele CA1579620.

ClinVar aggregate classification (germline): Uncertain significance. Review status: criteria provided, multiple submitters, no conflicts (2 of 4 stars). 3 submissions from 3 submitters: Uncertain significance (3). Last evaluated 2025-01-29.

Conditions:
IFT172-related disorder. Also called: IFT172-related disorders; IFT172-related condition.
Retinitis pigmentosa 71 (RP71). Identifiers: Orphanet 791, MedGen C4225342, MONDO:0014618, OMIM 616394.
Short-rib thoracic dysplasia 10 with or without polydactyly (SRTD10). Identifiers: Orphanet 474, MedGen C3810175, MONDO:0014284, OMIM 615630.
Bardet-Biedl syndrome 20. Identifiers: MedGen C4310707, MONDO:0023670, OMIM 619471, MONDO:0014926.

Allele frequency attached by ClinVar (database versions not stated): gnomAD exomes below 0.00001 and 0.00001; ExAC 0.00001; gnomAD 0.00001.
gnomAD v4.1: 3 of 1,564,610 alleles (0.00019%); highest among the groups gnomAD compares: Non-Finnish European, 0.00026%; no homozygotes.

Submissions (3):

PreventionGenetics, part of Exact Sciences
Classification: Uncertain significance for IFT172-related condition. Last evaluated: 2025-01-29. Review status: criteria provided, single submitter. Criteria: ACMG Guidelines, 2015. Collection method: clinical testing. Allele origin: germline.
Comment: The IFT172 c.4417G>A variant is predicted to result in the amino acid substitution p.Ala1473Thr. To our knowledge, this variant has not been reported in the literature. This variant is reported in 0.0018% of alleles in individuals of European (Non-Finnish) descent in gnomAD. At this time, the clinical significance of this variant is uncertain due to the absence of conclusive functional and genetic evidence.

Fulgent Genetics
Classification: Uncertain significance for Short-rib thoracic dysplasia 10 with or without polydactyly; Retinitis pigmentosa 71; Bardet-Biedl syndrome 20. Last evaluated: 2023-12-27. Review status: criteria provided, single submitter. Criteria: ACMG Guidelines, 2015. Collection method: clinical testing. Allele origin: germline.

Labcorp Genetics (formerly Invitae), Labcorp
Classification: Uncertain significance for Retinitis pigmentosa 71; Short-rib thoracic dysplasia 10 with or without polydactyly. Last evaluated: 2023-12-11. Review status: criteria provided, single submitter. Criteria: Invitae Variant Classification Sherloc (09022015). Collection method: clinical testing. Allele origin: germline.
Comment: This sequence change replaces alanine, which is neutral and non-polar, with threonine, which is neutral and polar, at codon 1473 of the IFT172 protein (p.Ala1473Thr). This variant is present in population databases (rs749834823, gnomAD 0.002%). This variant has not been reported in the literature in individuals affected with IFT172-related conditions. ClinVar contains an entry for this variant (Variation ID: 1356976). Advanced modeling of protein sequence and biophysical properties (such as structural, functional, and spatial information, amino acid conservation, physicochemical variation, residue mobility, and thermodynamic stability) performed at Invitae indicates that this missense variant is not expected to disrupt IFT172 protein function with a negative predictive value of 80%. In summary, the available evidence is currently insufficient to determine the role of this variant in disease. Therefore, it has been classified as a Variant of Uncertain Significance.